The following is an entry in ClinVar:

ClinVar aggregate classification (germline): Uncertain significance (1 of 4 stars; one submission).

Conditions:
Charcot-Marie-Tooth disease type 2. Also called: Charcot-Marie-Tooth type 2. Identifiers: Orphanet 64746, MedGen C0270914, MONDO:0018993.

Submission:

Labcorp Genetics (formerly Invitae), Labcorp
Classification: Uncertain significance for Charcot-Marie-Tooth disease type 2. Last evaluated: 2025-01-12. Review status: criteria provided, single submitter. Criteria: Invitae Variant Classification Sherloc (09022015). Collection method: clinical testing. Allele origin: germline.
Comment: This sequence change falls in intron 30 of the KIF1B gene. It does not directly change the encoded amino acid sequence of the KIF1B protein. Information on the frequency of this variant in the gnomAD database is not available, as this variant may be reported differently in the database. This variant has not been reported in the literature in individuals affected with KIF1B-related conditions. Experimental studies and prediction algorithms are not available or were not evaluated, and the effect of this variant on mRNA splicing is currently unknown. In summary, the available evidence is currently insufficient to determine the role of this variant in disease. Therefore, it has been classified as a Variant of Uncertain Significance.

NM_001365951.3(KIF1B):c.3513+8_3513+9delinsCG

Gene: KIF1B (kinesin family member 1B; plus strand). Cytogenetic location: 1p36.22.
Variant type: Indel.
Coding change: c.3513+8_3513+9delinsCG on transcript NM_001365951.3 (MANE Select); bases 8 to 9 of the intron after coding-DNA position 3513, AC replaced by CG.
Molecular consequence: intron variant.
Genome position (GRCh38, 1-based): chr1:10,339,867-10,339,868, AC replaced by CG. VCF-style: chr1-10339867-AC-CG. GRCh37 (hg19) VCF-style: chr1-10399925-AC-CG.
Other names: c.3375+8_3375+9delinsCG (NM_015074.3); c.3513+8_3513+9delinsCG (NM_001365952.1).
Identifiers: ClinVar variation 3633634 (VCV003633634.2).